The following is an entry in ClinVar:

ClinVar aggregate classification (germline): Pathogenic. Review status: criteria provided, multiple submitters, no conflicts (2 of 4 stars). 3 submissions from 3 submitters: Pathogenic (3). Last evaluated 2026-09-08.

Conditions:
Fabry disease. Also called: ALPHA-GALACTOSIDASE A DEFICIENCY; ANDERSON-FABRY DISEASE; CERAMIDE TRIHEXOSIDASE DEFICIENCY; GLA DEFICIENCY; HEREDITARY DYSTOPIC LIPIDOSIS; Ceramide trihexosidosis. Identifiers: Orphanet 324, MedGen C0002986, MONDO:0010526, OMIM 301500, HP:0001071. Disease mechanism: Fabry disease is due to inactivating mutations in the X-linked GLA gene resulting in deficiency of the enzyme Alpha Galactosidase-A., loss of function.

Submissions (3):

Genomenon, Inc
Classification: Pathogenic for Fabry disease. Last evaluated: 2026-09-08. Review status: criteria provided, single submitter. Criteria: Genomenon Sequence Variant Interpretation Standards - Updated. Collection method: curation. Allele origin: germline. Affected: yes.
Comment: GLA c.802-2A>G is a canonical splice variant affecting the acceptor splice site of intron 5. It is predicted to affect mRNA splicing, leading to a deleterious effect on the GLA protein. This variant has been observed in at least one proband with clinical features consistent with Fabry disease (PMID:27896102;22551898;16595074;30988410). A de novo occurrence of this variant has been observed in at least one affected individual (PMID:27896102). It is absent or not present at a significant frequency in gnomAD. In conclusion, we classify GLA c.802-2A>G as a pathogenic variant.

Labcorp Genetics (formerly Invitae), Labcorp
Classification: Pathogenic for Fabry disease. Last evaluated: 2025-05-11. Review status: criteria provided, single submitter. Criteria: Invitae Variant Classification Sherloc (09022015). Collection method: clinical testing. Allele origin: germline.
Comment: This sequence change affects an acceptor splice site in intron 5 of the GLA gene. RNA analysis indicates that disruption of this splice site induces altered splicing and may result in an absent or altered protein product. This variant is not present in population databases (gnomAD no frequency). Disruption of this splice site has been observed in individuals with Fabry disease (PMID: 16595074, 23545674). ClinVar contains an entry for this variant (Variation ID: 167138). Studies have shown that disruption of this splice site results in activation of a cryptic splice site, and produces a non-functional protein and/or introduces a premature termination codon (PMID: 23545674). For these reasons, this variant has been classified as Pathogenic.

Eurofins Ntd Llc (ga)
Classification: Pathogenic. Last evaluated: 2014-02-15. Review status: criteria provided, single submitter. Criteria: EGL Classification Definitions 2015. Collection method: clinical testing. Allele origin: germline.

Literature cited by the submitters: PubMed 27896102 (cited by Genomenon, Inc); PubMed 22551898 (cited by Genomenon, Inc); PubMed 16595074 (cited by Genomenon, Inc and Labcorp Genetics (formerly Invitae), Labcorp); PubMed 30988410 (cited by Genomenon, Inc); PubMed 23545674 (cited by Labcorp Genetics (formerly Invitae), Labcorp).

NM_000169.3(GLA):c.802-2A>G

Genes: GLA (galactosidase alpha; minus strand), RPL36A-HNRNPH2 (RPL36A-HNRNPH2 readthrough; plus strand). Cytogenetic location: Xq22.1.
Variant type: single nucleotide variant.
Coding change: c.802-2A>G on transcript NM_000169.3 (MANE Select); the canonical splice acceptor site of the intron before coding-DNA position 802, A replaced by G.
Molecular consequence: splice acceptor variant. On other transcripts: intron variant (2).
Genome position (GRCh38, 1-based): chrX:101,398,569, T>C on the plus strand (A>G on the coding strand, the complement: GLA is on the minus strand). VCF-style: chrX-101398569-T-C. GRCh37 (hg19) VCF-style: chrX-100653557-T-C.
Other names: c.300+3112T>C (NM_001199973.2); c.177+6747T>C (NM_001199974.2); c.925-2A>G (NM_001406747.1); c.802-2A>G (NM_001406748.1).
Identifiers: ClinVar variation 167138 (VCV000167138.8), dbSNP rs797044499, ClinGen allele CA273339.